The following is an entry in ClinVar:

ClinVar aggregate classification (germline): Uncertain significance. Review status: criteria provided, multiple submitters, no conflicts (2 of 4 stars). 2 submissions from 2 submitters: Uncertain significance (2). Last evaluated 2025-08-18.

Conditions:
Charcot-Marie-Tooth disease type 2. Also called: Charcot-Marie-Tooth type 2. Identifiers: Orphanet 64746, MedGen C0270914, MONDO:0018993.

Allele frequency attached by ClinVar (database versions not stated): TOPMed 0.00004; ExAC 0.00006; gnomAD exomes 0.00004 and 0.00002; gnomAD 0.00004.

Submissions (2):

Labcorp Genetics (formerly Invitae), Labcorp
Classification: Uncertain significance for Charcot-Marie-Tooth disease type 2. Last evaluated: 2025-08-18. Review status: criteria provided, single submitter. Criteria: Invitae Variant Classification Sherloc (09022015). Collection method: clinical testing. Allele origin: germline.
Comment: This sequence change replaces arginine, which is basic and polar, with tryptophan, which is neutral and slightly polar, at codon 198 of the AARS protein (p.Arg198Trp). This variant is present in population databases (rs753033177, gnomAD 0.02%). This variant has not been reported in the literature in individuals affected with AARS-related conditions. ClinVar contains an entry for this variant (Variation ID: 860735). Invitae Evidence Modeling of protein sequence and biophysical properties (such as structural, functional, and spatial information, amino acid conservation, physicochemical variation, residue mobility, and thermodynamic stability) has been performed for this missense variant. However, the output from this modeling did not meet the statistical confidence thresholds required to predict the impact of this variant on AARS protein function. In summary, the available evidence is currently insufficient to determine the role of this variant in disease. Therefore, it has been classified as a Variant of Uncertain Significance.

Women's Health and Genetics/Laboratory Corporation of America, LabCorp
Classification: Uncertain significance. Last evaluated: 2025-02-25. Review status: criteria provided, single submitter. Criteria: LabCorp Variant Classification Summary - May 2015. Collection method: clinical testing. Allele origin: germline.
Comment: Variant summary: AARS1 c.592C>T (p.Arg198Trp) results in a non-conservative amino acid change located in the Alanyl-transfer RNA synthetases family domain (IPR018165) of the encoded protein sequence. Five of five in-silico tools predict a damaging effect of the variant on protein function. The variant allele was found at a frequency of 4e-05 in 251468 control chromosomes. This frequency is not significantly higher than estimated for a pathogenic variant in AARS1 causing Developmental and epileptic encephalopathy, 29, allowing no conclusion about variant significance. c.592C>T has been reported in the literature in one individual affected with spinal muscular atrophy (lower extremity dominant) without strong evidence for causality (Frasquet_2021). These report(s) do not provide unequivocal conclusions about association of the variant with Developmental and epileptic encephalopathy, 29. To our knowledge, no experimental evidence demonstrating an impact on protein function has been reported. The following publication has been ascertained in the context of this evaluation (PMID: 33369814). ClinVar contains an entry for this variant (Variation ID: 860735). Based on the evidence outlined above, the variant was classified as uncertain significance.

Literature cited by the submitters: PubMed 33369814 (cited by Women's Health and Genetics/Laboratory Corporation of America, LabCorp).

NM_001605.3(AARS1):c.592C>T (p.Arg198Trp)

Gene: AARS1 (alanyl-tRNA synthetase 1; minus strand). Cytogenetic location: 16q22.1.
Variant type: single nucleotide variant.
Coding change: c.592C>T on transcript NM_001605.3 (MANE Select); coding-DNA position 592, C replaced by T.
Protein change: p.Arg198Trp; replaces arginine 198 with tryptophan.
Molecular consequence: missense variant.
Genome position (GRCh38, 1-based): chr16:70,271,860, G>A on the plus strand (C>T on the coding strand, the complement: AARS1 is on the minus strand). VCF-style: chr16-70271860-G-A. GRCh37 (hg19) VCF-style: chr16-70305763-G-A.
Other names: short protein forms R198W.
Identifiers: ClinVar variation 860735 (VCV000860735.8), dbSNP rs753033177, ClinGen allele CA8141095.